The following is an entry in ClinVar:

ClinVar aggregate classification (germline): Uncertain significance. Review status: criteria provided, multiple submitters, no conflicts (2 of 4 stars). 3 submissions from 3 submitters: Uncertain significance (3). Last evaluated 2025-06-18.

Conditions:
Inborn genetic diseases. Identifiers: MedGen C0950123, MeSH D030342.

Allele frequency attached by ClinVar (database versions not stated): TOPMed 0.00008; gnomAD exomes below 0.00001 and 0.00001; ExAC 0.00005; gnomAD 0.00005 and 0.00007.

Submissions (3):

Ambry Genetics
Classification: Uncertain significance for Inborn genetic diseases. Last evaluated: 2025-06-18. Review status: criteria provided, single submitter. Criteria: Ambry Variant Classification Scheme 2023. Collection method: clinical testing. Allele origin: germline.

Labcorp Genetics (formerly Invitae), Labcorp
Classification: Uncertain significance. Last evaluated: 2024-01-15. Review status: criteria provided, single submitter. Criteria: Invitae Variant Classification Sherloc (09022015). Collection method: clinical testing. Allele origin: germline.
Comment: This sequence change replaces leucine, which is neutral and non-polar, with phenylalanine, which is neutral and non-polar, at codon 1563 of the UNC80 protein (p.Leu1563Phe). This variant is present in population databases (rs745930170, gnomAD 0.01%). This variant has not been reported in the literature in individuals affected with UNC80-related conditions. ClinVar contains an entry for this variant (Variation ID: 1378320). Advanced modeling of protein sequence and biophysical properties (such as structural, functional, and spatial information, amino acid conservation, physicochemical variation, residue mobility, and thermodynamic stability) performed at Invitae indicates that this missense variant is not expected to disrupt UNC80 protein function with a negative predictive value of 80%. In summary, the available evidence is currently insufficient to determine the role of this variant in disease. Therefore, it has been classified as a Variant of Uncertain Significance.

Breakthrough Genomics
Classification: Uncertain significance. Review status: criteria provided, single submitter. Criteria: ACMG Guidelines, 2015. Collection method: not provided. Allele origin: germline. Inheritance: Autosomal recessive inheritance. Affected: yes.

NM_001371986.1(UNC80):c.4885C>T (p.Leu1629Phe)

Gene: UNC80 (unc-80 subunit of NALCN channel complex; plus strand). Cytogenetic location: 2q34.
Variant type: single nucleotide variant.
Coding change: c.4885C>T on transcript NM_001371986.1 (MANE Select); coding-DNA position 4885, C replaced by T.
Protein change: p.Leu1629Phe; replaces leucine 1629 with phenylalanine.
Molecular consequence: missense variant.
Genome position (GRCh38, 1-based): chr2:209,912,662, C>T. VCF-style: chr2-209912662-C-T. GRCh37 (hg19) VCF-style: chr2-210777386-C-T.
Other names: c.4687C>T, p.Leu1563Phe (NM_032504.2); c.4672C>T, p.Leu1558Phe (NM_182587.4); c.4687C>T (NM_032504.1); short protein forms L1629F, L1558F, L1563F.
Identifiers: ClinVar variation 1378320 (VCV001378320.7), dbSNP rs745930170, ClinGen allele CA2083234.